The following is an entry in ClinVar:

ClinVar aggregate classification (germline): Uncertain significance. Review status: criteria provided, multiple submitters, no conflicts (2 of 4 stars). 2 submissions from 2 submitters: Uncertain significance (2). Last evaluated 2025-04-16.

Conditions:
Retinitis pigmentosa 80 (RP80). Identifiers: MedGen C4540439, MONDO:0054708, OMIM 617781.
Saldino-Mainzer syndrome (SRTD9). Also called: CONORENAL SYNDROME; Renal dysplasia, retinal pigmentary dystrophy, cerebellar ataxia and skeletal dysplasia; short-rib thoracic dysplasia 9 with or without polydactyly; SHORT-RIB THORACIC DYSPLASIA 9 WITHOUT POLYDACTYLY. Identifiers: Orphanet 140969, MedGen C1849437, MONDO:0009964, OMIM 266920.

Allele frequency attached by ClinVar (database versions not stated): gnomAD exomes below 0.00001; TOPMed 0.00001; gnomAD 0.00002.
gnomAD v4.1: 6 of 1,602,068 alleles (0.00037%); highest among the groups gnomAD compares: Middle Eastern, 0.017%; no homozygotes.

Submissions (2):

Labcorp Genetics (formerly Invitae), Labcorp
Classification: Uncertain significance for Saldino-Mainzer syndrome. Last evaluated: 2025-04-16. Review status: criteria provided, single submitter. Criteria: Invitae Variant Classification Sherloc (09022015). Collection method: clinical testing. Allele origin: germline.
Comment: This sequence change replaces phenylalanine, which is neutral and non-polar, with isoleucine, which is neutral and non-polar, at codon 878 of the IFT140 protein (p.Phe878Ile). This variant is present in population databases (no rsID available, gnomAD 0.005%). This variant has not been reported in the literature in individuals affected with IFT140-related conditions. ClinVar contains an entry for this variant (Variation ID: 1063355). Invitae Evidence Modeling of protein sequence and biophysical properties (such as structural, functional, and spatial information, amino acid conservation, physicochemical variation, residue mobility, and thermodynamic stability) indicates that this missense variant is not expected to disrupt IFT140 protein function with a negative predictive value of 80%. In summary, the available evidence is currently insufficient to determine the role of this variant in disease. Therefore, it has been classified as a Variant of Uncertain Significance.

Fulgent Genetics
Classification: Uncertain significance for Saldino-Mainzer syndrome; Retinitis pigmentosa 80. Last evaluated: 2024-06-20. Review status: criteria provided, single submitter. Criteria: ACMG Guidelines, 2015. Collection method: clinical testing. Allele origin: germline.

NM_014714.4(IFT140):c.2632T>A (p.Phe878Ile)

Gene: IFT140 (intraflagellar transport 140; minus strand). Cytogenetic location: 16p13.3.
Variant type: single nucleotide variant.
Coding change: c.2632T>A on transcript NM_014714.4 (MANE Select); coding-DNA position 2632, T replaced by A.
Protein change: p.Phe878Ile; replaces phenylalanine 878 with isoleucine.
Molecular consequence: missense variant.
Genome position (GRCh38, 1-based): chr16:1,526,023, A>T on the plus strand (T>A on the coding strand, the complement: IFT140 is on the minus strand). VCF-style: chr16-1526023-A-T. GRCh37 (hg19) VCF-style: chr16-1576024-A-T.
Other names: short protein forms F878I.
Identifiers: ClinVar variation 1063355 (VCV001063355.10), dbSNP rs1396499118, ClinGen allele CA394227722.